The following is an entry in ClinVar:

ClinVar aggregate classification (germline): Benign. Review status: criteria provided, single submitter (1 of 4 stars). 2 submissions from 2 submitters: Benign (1). 1 of the submissions does not count toward it. Last evaluated 2018-11-20.

Conditions:
LRP1B-related disorder. Also called: LRP1B-related condition.

Allele frequency attached by ClinVar (database versions not stated): gnomAD exomes 0.00040 and 0.00113; ExAC 0.00131; 1000 Genomes Project 30x 0.00312; 1000 Genomes Project 0.00319; gnomAD 0.00377 and 0.00412; TOPMed 0.00474; ESP Exome Variant Server 0.00492.
gnomAD v4.1: 1,185 of 1,612,572 alleles (0.073%); highest among the groups gnomAD compares: African/African-American, 1.3%; 9 homozygotes.

Submissions (2):

Labcorp Genetics (formerly Invitae), Labcorp
Classification: Benign. Last evaluated: 2018-11-20. Review status: criteria provided, single submitter. Criteria: Invitae Variant Classification Sherloc (09022015). Collection method: clinical testing. Allele origin: germline.

PreventionGenetics, part of Exact Sciences
Classification: Benign for LRP1B-related condition. Last evaluated: 2019-05-07. Review status: no assertion criteria provided. Collection method: clinical testing. Allele origin: germline. Not counted in ClinVar's aggregate classification.
Comment: This variant is classified as benign based on ACMG/AMP sequence variant interpretation guidelines (Richards et al. 2015 PMID: 25741868, with internal and published modifications).

NM_018557.3(LRP1B):c.2610C>T (p.Cys870=)

Gene: LRP1B (LDL receptor related protein 1B; minus strand). Cytogenetic location: 2q22.1.
Variant type: single nucleotide variant.
Coding change: c.2610C>T on transcript NM_018557.3 (MANE Select); coding-DNA position 2610, C replaced by T.
Protein change: p.Cys870=; no amino-acid change (cysteine 870 retained).
Molecular consequence: synonymous variant.
Genome position (GRCh38, 1-based): chr2:140,994,029, G>A on the plus strand (C>T on the coding strand, the complement: LRP1B is on the minus strand). VCF-style: chr2-140994029-G-A. GRCh37 (hg19) VCF-style: chr2-141751598-G-A.
Identifiers: ClinVar variation 775758 (VCV000775758.5), dbSNP rs79742952, ClinGen allele CA1895694.